The following is an entry in ClinVar:

ClinVar aggregate classification (germline): Pathogenic/Likely pathogenic. Review status: criteria provided, multiple submitters, no conflicts (2 of 4 stars). 4 submissions from 3 submitters: Pathogenic (1); Likely pathogenic (1). 2 of the submissions do not count toward it. Last evaluated 2026-03-05.

Conditions:
Spermatogenic failure 2. Also called: SPGF2; ASPERMIOGENESIS FACTOR. Identifiers: MedGen C1862459, MONDO:0007161, OMIM 108420.
Premature ovarian failure 20 (POF20). Identifiers: MedGen C5677011, MONDO:0030975, OMIM 619938.
MSH4-related condition.
Non-obstructive azoospermia. Identifiers: MedGen C4021107, HP:0011961.

Allele frequency attached by ClinVar (database versions not stated): ExAC 0.00004; gnomAD 0.00017 and 0.00018; gnomAD exomes 0.00006; TOPMed 0.00012; ESP Exome Variant Server 0.00023.
gnomAD v4.1: 175 of 1,504,840 alleles (0.012%); highest among the groups gnomAD compares: Non-Finnish European, 0.015%; no homozygotes.

Submissions (4):

PreventionGenetics, part of Exact Sciences
Classification: Pathogenic for MSH4-related condition. Last evaluated: 2026-03-05. Review status: criteria provided, single submitter. Criteria: ACMG Guidelines, 2015. Collection method: clinical testing. Allele origin: germline.
Comment: The MSH4 c.2198C>A variant is predicted to result in premature protein termination (p.Ser733*). Functional analyses demonstrated that this variant led to spermatocyte arrest at the meiotic zygotene stage (Wyrwoll et al. 2021. PubMed ID: 34755185). This variant is reported in 0.012% of alleles in individuals of European (Non-Finnish) descent in gnomAD. Nonsense variants in MSH4 are expected to be pathogenic. This variant is interpreted as pathogenic.

Institute of Reproductive Genetics, University of Münster
Classification: Likely pathogenic for Non-obstructive azoospermia. Last evaluated: 2020-01-07. Review status: criteria provided, single submitter. Criteria: ACMG Guidelines, 2015. Collection method: research. Allele origin: germline. Affected: yes. Observed: 2 variant alleles.

OMIM
Classification: Pathogenic for PREMATURE OVARIAN FAILURE 20. Last evaluated: 2022-07-01. Review status: no assertion criteria provided. Collection method: literature only. Allele origin: germline. Not counted in ClinVar's aggregate classification.

OMIM
Classification: Pathogenic for SPERMATOGENIC FAILURE 2. Last evaluated: 2022-07-01. Review status: no assertion criteria provided. Collection method: literature only. Allele origin: germline. Not counted in ClinVar's aggregate classification.

Literature cited by the submitters: PubMed 34755185 (cited by OMIM).

NM_002440.4(MSH4):c.2198C>A (p.Ser733Ter)

Gene: MSH4 (mutS homolog 4; plus strand). Cytogenetic location: 1p31.1.
Variant type: single nucleotide variant.
Coding change: c.2198C>A on transcript NM_002440.4 (MANE Select); coding-DNA position 2198, C replaced by A.
Protein change: p.Ser733Ter; replaces serine 733 with a stop codon.
Molecular consequence: nonsense.
Genome position (GRCh38, 1-based): chr1:75,889,341, C>A. VCF-style: chr1-75889341-C-A. GRCh37 (hg19) VCF-style: chr1-76355026-C-A.
Other names: c.2198C>A (NM_002440.3); short protein forms S733*.
Identifiers: ClinVar variation 992889 (VCV000992889.4), dbSNP rs149042353, ClinGen allele CA914464.